The following is an entry in ClinVar:

NM_133259.4(LRPPRC):c.376_377insAAATTATTTTTTGAATACG (p.Leu126delinsGlnIleIlePheTer)

Gene: LRPPRC (leucine rich pentatricopeptide repeat containing; minus strand). Cytogenetic location: 2p21.
Variant type: Insertion.
Coding change: c.376_377insAAATTATTTTTTGAATACG on transcript NM_133259.4 (MANE Select); coding-DNA positions 376 to 377, AAATTATTTTTTGAATACG inserted.
Protein change: p.Leu126delinsGlnIleIlePheTer.
Molecular consequence: nonsense.
Genome position: GRCh38 VCF-style: chr2-43979918-A-ACGTATTCAAAAAATAATTT. GRCh37 (hg19) VCF-style: chr2-44207057-A-ACGTATTCAAAAAATAATTT.
Identifiers: ClinVar variation 1725351 (VCV001725351.2), dbSNP rs2466685784, ClinGen allele CA2580066511.
Genomic context (GRCh38, chr2:43,979,918, plus strand): 5'-GCAAATTCTGTTCTCTCTTCAAGCTTTAGTTCAGGCAAGAGAGAACCACAACTACGTAGT[A>ACGTATTCAAAAAATAATTT]GAAGCAAGGCATGACTACCACCTAGGCCACCTGTGGAAAAAAGGTTAATGGATAACATTT-3'

ClinVar aggregate classification (germline): Likely pathogenic (1 of 4 stars; one submission).

Conditions:
Congenital lactic acidosis, Saguenay-Lac-Saint-Jean type (MC4DN5). Also called: MITOCHONDRIAL COMPLEX IV DEFICIENCY, NUCLEAR TYPE 5; CYTOCHROME c OXIDASE DEFICIENCY, FRENCH CANADIAN TYPE; COX DEFICIENCY, FRENCH CANADIAN TYPE. Identifiers: Orphanet 70472, MedGen C1857355, MONDO:0009069, OMIM 220111.

Submission:

Myriad Genetics, Inc.
Classification: Likely pathogenic for Congenital lactic acidosis, Saguenay-Lac-Saint-Jean type. Last evaluated: 2022-03-17. Review status: criteria provided, single submitter. Criteria: Myriad Women's Health Autosomal Recessive and X-Linked Classification Criteria (2021). Collection method: clinical testing. Allele origin: unknown.
Comment: NM_133259.3(LRPPRC):c.376_377ins19(L126Qfs*5) is expected to be pathogenic in the context of Leigh syndrome, French-Canadian type. This variant is predicted to lead to an abnormal or absent protein product due to the creation of a premature termination codon in LRPPRC, a gene where loss-of-function variants are known to be pathogenic. Please note: this variant was assessed in the context of healthy population screening.